The following is an entry in ClinVar:

NM_015311.3(OBSL1):c.4361G>A (p.Arg1454Gln)

Gene: OBSL1 (obscurin like cytoskeletal adaptor 1; minus strand). Cytogenetic location: 2q35.
Variant type: single nucleotide variant.
Coding change: c.4361G>A on transcript NM_015311.3 (MANE Select); coding-DNA position 4361, G replaced by A.
Protein change: p.Arg1454Gln; replaces arginine 1454 with glutamine.
Molecular consequence: missense variant.
Genome position (GRCh38, 1-based): chr2:219,556,268, C>T on the plus strand (G>A on the coding strand, the complement: OBSL1 is on the minus strand). VCF-style: chr2-219556268-C-T. GRCh37 (hg19) VCF-style: chr2-220420990-C-T.
Other names: c.4361G>A, p.Arg1454Gln (NM_001173431.2); short protein forms R1454Q.
Identifiers: ClinVar variation 593874 (VCV000593874.49), dbSNP rs183329050, ClinGen allele CA2130564.

ClinVar aggregate classification (germline): Benign/Likely benign. Review status: criteria provided, multiple submitters, no conflicts (2 of 4 stars). 10 submissions from 10 submitters: Benign (3); Likely benign (5). 2 of the submissions do not count toward it. Last evaluated 2026-04-01.

Conditions:
3M syndrome 2. Also called: THREE M SYNDROME 2; 3-M Syndrome, OBSL1-Related. Identifiers: Orphanet 2616, MedGen C2752041, MONDO:0013039, OMIM 612921.

Allele frequency attached by ClinVar (database versions not stated): 1000 Genomes Project 0.00479; 1000 Genomes Project 30x 0.00500; gnomAD 0.00737 and 0.00756; TOPMed 0.00770; gnomAD exomes 0.00858 and 0.01147; ExAC 0.00884; ESP Exome Variant Server 0.00904.
gnomAD v4.1: 17,611 of 1,589,824 alleles (1.1%); highest among the groups gnomAD compares: South Asian, 1.5%; 154 homozygotes.

Submissions (10):

CeGaT Center for Human Genetics Tuebingen
Classification: Likely benign. Last evaluated: 2026-04-01. Review status: criteria provided, single submitter. Criteria: CeGaT Center For Human Genetics Tuebingen Variant Classification Criteria Version 2. Collection method: clinical testing. Allele origin: germline. Affected: yes. Observed: 15 variant alleles.
Comment: OBSL1: BP4

Labcorp Genetics (formerly Invitae), Labcorp
Classification: Benign. Last evaluated: 2026-02-01. Review status: criteria provided, single submitter. Criteria: Invitae Variant Classification Sherloc (09022015). Collection method: clinical testing. Allele origin: germline.

Genomic Medicine Center of Excellence, King Faisal Specialist Hospital and Research Centre
Classification: Likely benign. Last evaluated: 2025-08-18. Review status: criteria provided, single submitter. Criteria: ACMG Guidelines, 2015. Collection method: clinical testing. Allele origin: germline.

Women's Health and Genetics/Laboratory Corporation of America, LabCorp
Classification: Likely benign. Last evaluated: 2021-12-10. Review status: criteria provided, single submitter. Criteria: LabCorp Variant Classification Summary - May 2015. Collection method: clinical testing. Allele origin: germline.

Genetic Services Laboratory, University of Chicago
Classification: Likely benign. Last evaluated: 2020-05-12. Review status: criteria provided, single submitter. Criteria: ACMG Guidelines, 2015. Collection method: clinical testing. Allele origin: germline. Affected: no.

Eurofins Ntd Llc (ga)
Classification: Benign. Last evaluated: 2017-09-05. Review status: criteria provided, single submitter. Criteria: EGL Classification Definitions 2015. Collection method: clinical testing. Allele origin: germline. Observed: 1 variant allele, 1 heterozygote.

Illumina Laboratory Services, Illumina
Classification: Benign for 3M syndrome 2. Last evaluated: 2017-04-27. Review status: criteria provided, single submitter. Criteria: ICSL Variant Classification Criteria 13 December 2019. Collection method: clinical testing. Allele origin: germline.
Comment: This variant was observed as part of a predisposition screen in an ostensibly healthy population. A literature search was performed for the gene, cDNA change, and amino acid change (where applicable). No publications were found based on this search. Allele frequency data from public databases was too high to be consistent with this variant causing disease. Therefore, this variant is classified as benign.

Breakthrough Genomics
Classification: Likely benign. Review status: criteria provided, single submitter. Criteria: ACMG Guidelines, 2015. Collection method: not provided. Allele origin: germline. Inheritance: Autosomal recessive inheritance. Affected: yes.

Genome Diagnostics Laboratory, University Medical Center Utrecht
Classification: Likely benign. Review status: no assertion criteria provided. Collection method: clinical testing. Allele origin: germline. Affected: yes. Study: VKGL Data-share Consensus. Not counted in ClinVar's aggregate classification.

Laboratory of Diagnostic Genome Analysis, Leiden University Medical Center (LUMC)
Classification: Likely benign. Review status: no assertion criteria provided. Collection method: clinical testing. Allele origin: germline. Affected: yes. Study: VKGL Data-share Consensus. Not counted in ClinVar's aggregate classification.